The following is an entry in ClinVar:

ClinVar aggregate classification (germline): Uncertain significance (1 of 4 stars; one submission).

Conditions:
Inborn genetic diseases. Identifiers: MedGen C0950123, MeSH D030342.

Submission:

Ambry Genetics
Classification: Uncertain significance for Inborn genetic diseases. Last evaluated: 2024-02-02. Review status: criteria provided, single submitter. Criteria: Ambry Variant Classification Scheme 2023. Collection method: clinical testing. Allele origin: germline.
Comment: The p.V199A variant (also known as c.596T>C), located in coding exon 6 of the EPAS1 gene, results from a T to C substitution at nucleotide position 596. The valine at codon 199 is replaced by alanine, an amino acid with similar properties. This amino acid position is conserved. In addition, this alteration is predicted to be tolerated by in silico analysis. Based on the available evidence, the clinical significance of this alteration remains unclear.

NM_001430.5(EPAS1):c.596T>C (p.Val199Ala)

Genes: EPAS1 (endothelial PAS domain protein 1; plus strand), LOC126806210 (BRD4-independent group 4 enhancer GRCh37_chr2:46587586-46588785; plus strand). Cytogenetic location: 2p21.
Variant type: single nucleotide variant.
Coding change: c.596T>C on transcript NM_001430.5 (MANE Select); coding-DNA position 596, T replaced by C.
Protein change: p.Val199Ala; replaces valine 199 with alanine.
Molecular consequence: missense variant.
Genome position (GRCh38, 1-based): chr2:46,360,907, T>C. VCF-style: chr2-46360907-T-C. GRCh37 (hg19) VCF-style: chr2-46588046-T-C.
Other names: short protein forms V199A.
Identifiers: ClinVar variation 3221663 (VCV003221663.1), dbSNP rs2546455303, ClinGen allele CA346699762.